The following is an entry in ClinVar:

NM_139058.3(ARX):c.306GGC[11] (p.Ala115dup)

Genes: ARX (aristaless related homeobox; minus strand), LOC109610631 (aristaless related homeobox polyalanine expansion region; plus strand). Cytogenetic location: Xp21.3.
Variant type: Microsatellite.
Coding change: c.306GGC[11] on transcript NM_139058.3 (MANE Select); 11 copies in a row of the 3-base unit GGC starting at c.306; the reference has ten copies in a row; one copy, 3 bases duplicated.
Protein change: p.Ala115dup; duplicates alanine 115.
Molecular consequence: inframe insertion.
Genome position (GRCh38, 1-based): chrX:25,013,660-25,013,662, GCC duplicated on the plus strand (GGC on the coding strand, the reverse complement: ARX is on the minus strand); duplicating any 3 consecutive bases within chrX:25,013,660-25,013,691 gives the same sequence; the position shown is the placement nearest the transcript's 3' end. VCF-style (leftmost placement, unchanged base first): chrX-25013659-T-TGCC. GRCh37 (hg19) VCF-style: chrX-25031776-T-TGCC.
Other names: c.333_335dupGGC (NM_139058.2).
Identifiers: ClinVar variation 157755 (VCV000157755.62), dbSNP rs387906492, ClinGen allele CA171154.

ClinVar aggregate classification (germline): Benign/Likely benign. Review status: criteria provided, multiple submitters, no conflicts (2 of 4 stars). 8 submissions from 8 submitters: Benign (3); Likely benign (4). 1 of the submissions does not count toward it. Last evaluated 2026-07-01.

Conditions:
ARX-related disorder. Also called: ARX-Related Disorders; ARX-related condition. Identifiers: MedGen CN378769.
Developmental and epileptic encephalopathy, 1 (DEE1). Also called: INFANTILE SPASM SYNDROME, X-LINKED 1; OHTAHARA SYNDROME, X-LINKED; X-linked infantile spasms; West's syndrome; Tonic spasms with clustering, arrest of psychomotor development and hypsarrhythmia on EEG; X-Linked Infantile Spasm Syndrome. Identifiers: MedGen C3463992, MONDO:0010632, OMIM 308350. Disease mechanism: loss of function.
Intellectual disability, X-linked, with or without seizures, ARX-related. Also called: INTELLECTUAL DEVELOPMENTAL DISORDER, X-LINKED 29; MENTAL RETARDATION, X-LINKED 29; MENTAL RETARDATION, X-LINKED 32; MENTAL RETARDATION, X-LINKED 33; MENTAL RETARDATION, X-LINKED 38; MENTAL RETARDATION, X-LINKED 43. Identifiers: Orphanet 777, MedGen C0796244, MONDO:0010317, OMIM 300419.
Inborn genetic diseases. Identifiers: MedGen C0950123, MeSH D030342.

Submissions (8):

CeGaT Center for Human Genetics Tuebingen
Classification: Likely benign. Last evaluated: 2026-07-01. Review status: criteria provided, single submitter. Criteria: CeGaT Center For Human Genetics Tuebingen Variant Classification Criteria Version 2. Collection method: clinical testing. Allele origin: germline. Affected: yes. Observed: 5 variant alleles.
Comment: ARX: BP3

Labcorp Genetics (formerly Invitae), Labcorp
Classification: Likely benign for Developmental and epileptic encephalopathy, 1; Intellectual disability, X-linked, with or without seizures, ARX-related. Last evaluated: 2026-01-26. Review status: criteria provided, single submitter. Criteria: Invitae Variant Classification Sherloc (09022015). Collection method: clinical testing. Allele origin: germline.

PreventionGenetics, part of Exact Sciences
Classification: Likely benign for ARX-related condition. Last evaluated: 2024-10-25. Review status: criteria provided, single submitter. Criteria: ACMG Guidelines, 2015. Collection method: clinical testing. Allele origin: germline.
Comment: This variant is classified as likely benign based on ACMG/AMP sequence variant interpretation guidelines (Richards et al. 2015 PMID: 25741868, with internal and published modifications).

Ambry Genetics
Classification: Benign for Inborn genetic diseases. Last evaluated: 2024-09-27. Review status: criteria provided, single submitter. Criteria: Ambry Variant Classification Scheme 2023. Collection method: clinical testing. Allele origin: germline.

GeneDx
Classification: Likely benign. Last evaluated: 2023-02-06. Review status: criteria provided, single submitter. Criteria: GeneDx Variant Classification Process June 2021. Collection method: clinical testing. Allele origin: germline. Affected: yes.
Comment: See Variant Classification Assertion Criteria.

Mendelics
Classification: Benign for Developmental and epileptic encephalopathy, 1. Last evaluated: 2019-05-28. Review status: criteria provided, single submitter. Criteria: Mendelics Assertion Criteria 2017. Collection method: clinical testing. Allele origin: unknown.

Genetic Services Laboratory, University of Chicago
Classification: Benign. Last evaluated: 2014-02-11. Review status: criteria provided, single submitter. Criteria: ACMG Guidelines, 2007. Collection method: clinical testing. Allele origin: germline. Inheritance: X-linked inheritance.

Eurofins Ntd Llc (ga)
Classification: Uncertain significance. Last evaluated: 2014-03-18. Review status: no assertion criteria provided. Collection method: clinical testing. Allele origin: germline. Observed: 1 variant allele, 1 heterozygote. Not counted in ClinVar's aggregate classification.

Literature cited by the submitters: PubMed 11971879 (cited by Ambry Genetics); PubMed 15199382 (cited by Ambry Genetics and Eurofins Ntd Llc (ga)); PubMed 20506206 (cited by Ambry Genetics).